The following is an entry in ClinVar:

NM_032444.4(SLX4):c.2357G>A (p.Cys786Tyr)

Gene: SLX4 (SLX4 structure-specific endonuclease subunit; minus strand). Cytogenetic location: 16p13.3.
Variant type: single nucleotide variant.
Coding change: c.2357G>A on transcript NM_032444.4 (MANE Select); coding-DNA position 2357, G replaced by A.
Protein change: p.Cys786Tyr; replaces cysteine 786 with tyrosine.
Molecular consequence: missense variant.
Genome position (GRCh38, 1-based): chr16:3,591,281, C>T on the plus strand (G>A on the coding strand, the complement: SLX4 is on the minus strand). VCF-style: chr16-3591281-C-T. GRCh37 (hg19) VCF-style: chr16-3641282-C-T.
Other names: short protein forms C786Y.
Identifiers: ClinVar variation 1001858 (VCV001001858.8), dbSNP rs1282868817, ClinGen allele CA394524094.

ClinVar aggregate classification (germline): Uncertain significance (1 of 4 stars; one submission).

Conditions:
Fanconi anemia (FA). Also called: Fanconi's anemia. Identifiers: Orphanet 84, MedGen C0015625, MeSH D005199, MONDO:0019391.

Allele frequency attached by ClinVar (database versions not stated): gnomAD exomes below 0.00001; TOPMed below 0.00001.
gnomAD v4.1: 1 of 1,612,132 alleles (0.000062%); highest among the groups gnomAD compares: African/African-American, 0.0013%; no homozygotes.

Submission:

Labcorp Genetics (formerly Invitae), Labcorp
Classification: Uncertain significance for Fanconi anemia. Last evaluated: 2020-08-26. Review status: criteria provided, single submitter. Criteria: Invitae Variant Classification Sherloc (09022015). Collection method: clinical testing. Allele origin: germline.
Comment: This sequence change replaces cysteine with tyrosine at codon 786 of the SLX4 protein (p.Cys786Tyr). The cysteine residue is highly conserved and there is a large physicochemical difference between cysteine and tyrosine. This variant is not present in population databases (ExAC no frequency). This variant has not been reported in the literature in individuals with SLX4-related conditions. Algorithms developed to predict the effect of missense changes on protein structure and function are either unavailable or do not agree on the potential impact of this missense change (SIFT: "Deleterious"; PolyPhen-2: "Probably Damaging"; Align-GVGD: "Class C0"). In summary, the available evidence is currently insufficient to determine the role of this variant in disease. Therefore, it has been classified as a Variant of Uncertain Significance.